The following is an entry in ClinVar:

ClinVar aggregate classification (germline): Uncertain significance. Review status: criteria provided, multiple submitters, no conflicts (2 of 4 stars). 2 submissions from 2 submitters: Uncertain significance (2). Last evaluated 2019-11-26.

Conditions:
Cardiovascular phenotype. Identifiers: MedGen CN230736.

Submissions (2):

Ambry Genetics
Classification: Uncertain significance for Cardiovascular phenotype. Last evaluated: 2019-11-26. Review status: criteria provided, single submitter. Criteria: Ambry Variant Classification Scheme 2023. Collection method: clinical testing. Allele origin: germline.
Comment: The p.G425A variant (also known as c.1274G>C), located in coding exon 12 of the MYH7 gene, results from a G to C substitution at nucleotide position 1274. The glycine at codon 425 is replaced by alanine, an amino acid with similar properties. This amino acid position is highly conserved in available vertebrate species. In addition, the in silico prediction for this alteration is inconclusive. Since supporting evidence is limited at this time, the clinical significance of this alteration remains unclear.

GeneDx
Classification: Uncertain significance. Last evaluated: 2017-10-10. Review status: criteria provided, single submitter. Criteria: GeneDx Variant Classification (06012015). Collection method: clinical testing. Allele origin: germline. Affected: yes.
Comment: The G425A variant of uncertain significance in the MYH7 gene has not been published as pathogenic or been reported as benign to our knowledge. G425A is not observed in large population cohorts (Lek et al., 2016). This substitution occurs at a position that is conserved across species, and in silico analysis predicts this variant is probably damaging to the protein structure/function. However, the G425A variant is a conservative amino acid substitution, which is not likely to impact secondary protein structure as these residues share similar properties. And although a missense variant in the same residue (G425R) and in nearby residues (A426T, A428V, A430E) have been reported in the Human Gene Mutation Database in association with HCM (Stenson et al., 2014), the pathogenicity of each of these variants has not been definitively determined.

NM_000257.4(MYH7):c.1274G>C (p.Gly425Ala)

Gene: MYH7 (myosin heavy chain 7; minus strand). Cytogenetic location: 14q11.2.
Variant type: single nucleotide variant.
Coding change: c.1274G>C on transcript NM_000257.4 (MANE Select); coding-DNA position 1274, G replaced by C.
Protein change: p.Gly425Ala; replaces glycine 425 with alanine.
Molecular consequence: missense variant.
Genome position (GRCh38, 1-based): chr14:23,429,088, C>G on the plus strand (G>C on the coding strand, the complement: MYH7 is on the minus strand). VCF-style: chr14-23429088-C-G. GRCh37 (hg19) VCF-style: chr14-23898297-C-G.
Other names: c.1274G>C (LRG_384t1); short protein forms G425A.
Identifiers: ClinVar variation 449070 (VCV000449070.4), dbSNP rs1555338336, ClinGen allele CA389050970.